The following is an entry in ClinVar:

NM_016507.4(CDK12):c.3955G>A (p.Glu1319Lys)

Gene: CDK12 (cyclin dependent kinase 12; plus strand). Cytogenetic location: 17q12.
Variant type: single nucleotide variant.
Coding change: c.3955G>A on transcript NM_016507.4 (MANE Select); coding-DNA position 3955, G replaced by A.
Protein change: p.Glu1319Lys; replaces glutamic acid 1319 with lysine.
Molecular consequence: missense variant.
Genome position (GRCh38, 1-based): chr17:39,530,798, G>A. VCF-style: chr17-39530798-G-A. GRCh37 (hg19) VCF-style: chr17-37687051-G-A.
Other names: c.3928G>A, p.Glu1310Lys (NM_015083.4); short protein forms E1319K, E1310K.
Identifiers: ClinVar variation 4224187 (VCV004224187.1).

ClinVar aggregate classification (germline): Uncertain significance (1 of 4 stars; one submission).

gnomAD v4.1: 1 of 1,614,158 alleles (0.000062%); no homozygotes.

Submission:

Ambry Genetics
Classification: Uncertain significance. Last evaluated: 2025-06-15. Review status: criteria provided, single submitter. Criteria: Ambry Variant Classification Scheme 2023. Collection method: clinical testing. Allele origin: germline.
Comment: The p.E1319K variant (also known as c.3955G>A), located in coding exon 14 of the CDK12 gene, results from a G to A substitution at nucleotide position 3955. The glutamic acid at codon 1319 is replaced by lysine, an amino acid with similar properties. This amino acid position is conserved. In addition, the in silico prediction for this alteration is inconclusive. Based on the available evidence, the clinical significance of this variant remains unclear.